The following is an entry in ClinVar:

ClinVar aggregate classification (germline): Uncertain significance. Review status: criteria provided, multiple submitters, no conflicts (2 of 4 stars). 2 submissions from 2 submitters: Uncertain significance (2). Last evaluated 2024-07-28.

Conditions:
Hereditary breast ovarian cancer syndrome. Also called: BRCA1- and BRCA2-Associated Hereditary Breast and Ovarian Cancer; Hereditary breast and/or ovarian cancer syndrome; Hereditary breast and ovarian cancer syndrome; Hereditary breast and ovarian cancer; Breast and ovarian cancer; Hereditary breast and ovarian cancer syndrome (HBOC). Identifiers: Orphanet 145, MedGen C0677776, MeSH D061325, MONDO:0003582. Disease mechanism: loss of function.
Hereditary cancer-predisposing syndrome. Also called: Tumor predisposition; Hereditary neoplastic syndrome; Hereditary Cancer Syndrome; Neoplastic Syndromes, Hereditary. Identifiers: Orphanet 140162, MedGen C0027672, MeSH D009386, MONDO:0015356.

Submissions (2):

Ambry Genetics
Classification: Uncertain significance for Hereditary cancer-predisposing syndrome. Last evaluated: 2024-07-28. Review status: criteria provided, single submitter. Criteria: Ambry Variant Classification Scheme 2023. Collection method: clinical testing. Allele origin: germline.
Comment: The p.A3023G variant (also known as c.9068C>G), located in coding exon 22 of the BRCA2 gene, results from a C to G substitution at nucleotide position 9068. The alanine at codon 3023 is replaced by glycine, an amino acid with similar properties. This amino acid position is conserved. In addition, the in silico prediction for this alteration is inconclusive. Based on the available evidence, the clinical significance of this variant remains unclear.

Labcorp Genetics (formerly Invitae), Labcorp
Classification: Uncertain significance for Hereditary breast ovarian cancer syndrome. Last evaluated: 2019-09-01. Review status: criteria provided, single submitter. Criteria: Invitae Variant Classification Sherloc (09022015). Collection method: clinical testing. Allele origin: germline.
Comment: In summary, the available evidence is currently insufficient to determine the role of this variant in disease. Therefore, it has been classified as a Variant of Uncertain Significance. Algorithms developed to predict the effect of sequence changes on RNA splicing suggest that this variant may create or strengthen a splice site, but this prediction has not been confirmed by published transcriptional studies. Algorithms developed to predict the effect of missense changes on protein structure and function output the following: SIFT: "Tolerated"; PolyPhen-2: "Possibly Damaging"; Align-GVGD: "Class C0". The glycine amino acid residue is found in multiple mammalian species, suggesting that this missense change does not adversely affect protein function. These predictions have not been confirmed by published functional studies and their clinical significance is uncertain. This variant has not been reported in the literature in individuals with BRCA2-related conditions. This variant is not present in population databases (ExAC no frequency). This sequence change replaces alanine with glycine at codon 3023 of the BRCA2 protein (p.Ala3023Gly). The alanine residue is moderately conserved and there is a small physicochemical difference between alanine and glycine.

NM_000059.4(BRCA2):c.9068C>G (p.Ala3023Gly)

Gene: BRCA2 (BRCA2 DNA repair associated; plus strand). Cytogenetic location: 13q13.1.
Variant type: single nucleotide variant.
Coding change: c.9068C>G on transcript NM_000059.4 (MANE Select); coding-DNA position 9068, C replaced by G.
Protein change: p.Ala3023Gly; replaces alanine 3023 with glycine.
Molecular consequence: missense variant.
Genome position (GRCh38, 1-based): chr13:32,379,864, C>G. VCF-style: chr13-32379864-C-G. GRCh37 (hg19) VCF-style: chr13-32954001-C-G.
Other names: short protein forms A3023G.
Identifiers: ClinVar variation 935250 (VCV000935250.11), dbSNP rs2072910026, ClinGen allele CA387757580.